The following is an entry in ClinVar:

ClinVar aggregate classification (germline): Conflicting classifications of pathogenicity. Review status: criteria provided, conflicting classifications (1 of 4 stars). 6 submissions from 6 submitters: Uncertain significance (4); Benign (1); Likely benign (1). Last evaluated 2026-01-26.

Conditions:
Hereditary cancer-predisposing syndrome. Also called: Neoplastic Syndromes, Hereditary; Tumor predisposition; Hereditary Cancer Syndrome; Hereditary neoplastic syndrome. Identifiers: Orphanet 140162, MedGen C0027672, MeSH D009386, MONDO:0015356.
Prostate cancer, hereditary, 9 (HPC9). Identifiers: Orphanet 1331, MedGen C1970250, MONDO:0012597, OMIM 610997.

Allele frequency attached by ClinVar (database versions not stated): TOPMed 0.00003.
gnomAD v4.1: 4 of 1,613,894 alleles (0.00025%); highest among the groups gnomAD compares: Admixed American, 0.0067%; no homozygotes.

Submissions (6):

Labcorp Genetics (formerly Invitae), Labcorp
Classification: Likely benign. Last evaluated: 2026-01-26. Review status: criteria provided, single submitter. Criteria: Invitae Variant Classification Sherloc (09022015). Collection method: clinical testing. Allele origin: germline.

GeneDx
Classification: Uncertain significance. Last evaluated: 2024-12-13. Review status: criteria provided, single submitter. Criteria: GeneDx Variant Classification Process June 2021. Collection method: clinical testing. Allele origin: germline. Affected: yes.
Comment: Not observed at significant frequency in large population cohorts (gnomAD); In silico analysis suggests this variant may impact gene splicing. In the absence of RNA/functional studies, the actual effect of this sequence change is unknown.; Has not been previously published as pathogenic or benign to our knowledge

Ambry Genetics
Classification: Uncertain significance for Hereditary cancer-predisposing syndrome. Last evaluated: 2024-12-12. Review status: criteria provided, single submitter. Criteria: Ambry Variant Classification Scheme 2023. Collection method: clinical testing. Allele origin: germline.
Comment: The c.216G>T variant (also known as p.G72G), located in coding exon 1 of the HOXB13 gene, results from a G to T substitution at nucleotide position 216. This nucleotide substitution does not change the glycine at codon 72. This nucleotide position is not well conserved in available vertebrate species. In silico splice site analysis predicts that this alteration may result in the creation or strengthening of a novel splice donor site. Based on the available evidence, the clinical significance of this variant remains unclear.

Myriad Genetics, Inc.
Classification: Benign for Prostate cancer, hereditary, 9. Last evaluated: 2024-10-29. Review status: criteria provided, single submitter. Criteria: Myriad Autosomal Dominant, Autosomal Recessive and X-Linked Classification Criteria (2023). Collection method: clinical testing. Allele origin: unknown.
Comment: This variant is considered benign. This variant is a silent/synonymous amino acid change and it is not expected to impact splicing.

Department of Pathology and Laboratory Medicine, Sinai Health System
Classification: Uncertain significance for Prostate cancer, hereditary, 9. Last evaluated: 2024-05-21. Review status: criteria provided, single submitter. Criteria: ACMG Guidelines, 2015. Collection method: clinical testing. Allele origin: germline.

Fulgent Genetics
Classification: Uncertain significance for Prostate cancer, hereditary, 9. Last evaluated: 2018-10-31. Review status: criteria provided, single submitter. Criteria: ACMG Guidelines, 2015. Collection method: clinical testing. Allele origin: unknown.

NM_006361.6(HOXB13):c.216G>T (p.Gly72=)

Gene: HOXB13 (homeobox B13; minus strand). Cytogenetic location: 17q21.32.
Variant type: single nucleotide variant.
Coding change: c.216G>T on transcript NM_006361.6 (MANE Select); coding-DNA position 216, G replaced by T.
Protein change: p.Gly72=; no amino-acid change (glycine 72 retained).
Molecular consequence: synonymous variant.
Genome position (GRCh38, 1-based): chr17:48,728,378, C>A on the plus strand (G>T on the coding strand, the complement: HOXB13 is on the minus strand). VCF-style: chr17-48728378-C-A. GRCh37 (hg19) VCF-style: chr17-46805740-C-A.
Identifiers: ClinVar variation 483502 (VCV000483502.22), dbSNP rs769145488, ClinGen allele CA500662015.